The following is an entry in ClinVar:

NM_006265.3(RAD21):c.1228G>A (p.Ala410Thr)

Gene: RAD21 (RAD21 cohesin complex component; minus strand). Cytogenetic location: 8q24.11.
Variant type: single nucleotide variant.
Coding change: c.1228G>A on transcript NM_006265.3 (MANE Select); coding-DNA position 1228, G replaced by A.
Protein change: p.Ala410Thr; replaces alanine 410 with threonine.
Molecular consequence: missense variant.
Genome position (GRCh38, 1-based): chr8:116,852,642, C>T on the plus strand (G>A on the coding strand, the complement: RAD21 is on the minus strand). VCF-style: chr8-116852642-C-T. GRCh37 (hg19) VCF-style: chr8-117864881-C-T.
Other names: short protein forms A410T.
Identifiers: ClinVar variation 3429438 (VCV003429438.2).

ClinVar aggregate classification (germline): Uncertain significance. Review status: criteria provided, multiple submitters, no conflicts (2 of 4 stars). 2 submissions from 2 submitters: Uncertain significance (2). Last evaluated 2025-05-04.

Conditions:
Cornelia de Lange syndrome 4 (CDLS4). Also called: RAD21-Related Cornelia de Lange Syndrome; CORNELIA DE LANGE SYNDROME 4 WITH OR WITHOUT MIDLINE BRAIN DEFECTS. Identifiers: Orphanet 199, MedGen C3553517, MONDO:0013864, OMIM 614701.
Inborn genetic diseases. Identifiers: MedGen C0950123, MeSH D030342.

gnomAD v4.1: 5 of 1,613,068 alleles (0.00031%); highest among the groups gnomAD compares: Non-Finnish European, 0.00042%; no homozygotes.

Submissions (2):

Labcorp Genetics (formerly Invitae), Labcorp
Classification: Uncertain significance for Cornelia de Lange syndrome 4. Last evaluated: 2025-05-04. Review status: criteria provided, single submitter. Criteria: Invitae Variant Classification Sherloc (09022015). Collection method: clinical testing. Allele origin: germline.
Comment: This sequence change replaces alanine, which is neutral and non-polar, with threonine, which is neutral and polar, at codon 410 of the RAD21 protein (p.Ala410Thr). This variant is present in population databases (rs758179505, gnomAD 0.003%). This variant has not been reported in the literature in individuals affected with RAD21-related conditions. ClinVar contains an entry for this variant (Variation ID: 3429438). Invitae Evidence Modeling of protein sequence and biophysical properties (such as structural, functional, and spatial information, amino acid conservation, physicochemical variation, residue mobility, and thermodynamic stability) has been performed for this missense variant. However, the output from this modeling did not meet the statistical confidence thresholds required to predict the impact of this variant on RAD21 protein function. In summary, the available evidence is currently insufficient to determine the role of this variant in disease. Therefore, it has been classified as a Variant of Uncertain Significance.

Ambry Genetics
Classification: Uncertain significance for Inborn genetic diseases. Last evaluated: 2024-11-25. Review status: criteria provided, single submitter. Criteria: Ambry Variant Classification Scheme 2023. Collection method: clinical testing. Allele origin: germline.